The following is an entry in ClinVar:

NM_018668.5(VPS33B):c.1106-35_1106-7delinsGGT

Gene: VPS33B (VPS33B late endosome and lysosome associated; minus strand). Cytogenetic location: 15q26.1.
Variant type: Indel.
Coding change: c.1106-35_1106-7delinsGGT on transcript NM_018668.5 (MANE Select); 35 bases into the intron before coding-DNA position 1106 through 7 bases into the intron before coding-DNA position 1106, CCCCCAGTAACAGGCTCTCCTCTGATTAC replaced by GGT.
Molecular consequence: intron variant.
Genome position (GRCh38, 1-based): chr15:91,005,126-91,005,154, GTAATCAGAGGAGAGCCTGTTACTGGGGG replaced by ACC on the plus strand (CCCCCAGTAACAGGCTCTCCTCTGATTAC replaced by GGT on the coding strand, the reverse complement: VPS33B is on the minus strand). VCF-style: chr15-91005126-GTAATCAGAGGAGAGCCTGTTACTGGGGG-ACC. GRCh37 (hg19) VCF-style: chr15-91548356-GTAATCAGAGGAGAGCCTGTTACTGGGGG-ACC.
Other names: c.1025-35_1025-7delinsGGT (NM_001289148.1); c.833-35_833-7delinsGGT (NM_001289149.1).
Identifiers: ClinVar variation 4537378 (VCV004537378.1).
Genomic context (GRCh38, chr15:91,005,126, plus strand): 5'-TGTGTTCCTCAATGTAGCTGGTGCTCTCCCGGATGTTGAACCCCTCTAGCAGTGCTGTGA[GTAATCAGAGGAGAGCCTGTTACTGGGGG>ACC]CCAGCTCAGCTGCTGCCATCTATGCTAACAGGTGTCTGTCTCCCCATCTCTTTCTCCATC-3'

ClinVar aggregate classification (germline): Pathogenic (1 of 4 stars; one submission).

Conditions:
Arthrogryposis, renal dysfunction, and cholestasis 1 (ARCS1). Identifiers: Orphanet 2697, MedGen C1859722, MONDO:0008822, OMIM 208085.

Submission:

Department of Molecular Genetics, Istishari Arab Hospital
Classification: Pathogenic for Arthrogryposis, renal dysfunction, and cholestasis 1. Last evaluated: 2025-12-11. Review status: criteria provided, single submitter. Criteria: ACMG Guidelines, 2015. Collection method: clinical testing. Allele origin: germline. Inheritance: Autosomal recessive inheritance. Affected: yes.
Comment: cDNA sequencing of exons 12–18 of the VPS33B gene revealed an aberrant splicing pattern at the Intron 14/exon 15 junction. Loss of the native splice acceptor site at the intron 14/ exon 15 junction led to activation of an upstream cryptic splice acceptor within the 3’ end of intron 14. As a consequence, 162 bp of the terminal Intron 14 sequence (c.1106-162 to c.1106-1) is aberrantly inserted into the mRNA. When combined with the 29-bp genomic deletion (c.1106-35 to c.1106-7), the net effect is an insertion of 133 nucleotides into the mature transcript. The abnormal 133-nucleotide insertion disrupts the reading frame at the beginning of Exon 15, producing a frameshift. This frameshift generates a premature termination codon 18 amino acids downstream. In conclusion, this aberrant transcript demonstrates a splicing defect and confirms the pathogenicity of the c.1106-35_1106-7delinsGGT variant in the VPS33B gene.